The following is an entry in ClinVar:

ClinVar aggregate classification (germline): Pathogenic (1 of 4 stars; one submission).

Conditions:
Neurofibromatosis, type 1 (NF1). Also called: VON RECKLINGHAUSEN DISEASE; NEUROFIBROMATOSIS, TYPE I, SOMATIC; Peripheral type neurofibromatosis; Neurofibromatosis, type I. Identifiers: Orphanet 636, MedGen C0027831, MONDO:0018975, OMIM 162200. Disease mechanism: loss of function.

Submission:

Labcorp Genetics (formerly Invitae), Labcorp
Classification: Pathogenic for Neurofibromatosis, type 1. Last evaluated: 2019-09-24. Review status: criteria provided, single submitter. Criteria: Invitae Variant Classification Sherloc (09022015). Collection method: clinical testing. Allele origin: germline.
Comment: This variant has not been reported in the literature in individuals with NF1-related conditions. For these reasons, this variant has been classified as Pathogenic. Loss-of-function variants in NF1 are known to be pathogenic (PMID: 10712197, 23913538). This variant is not present in population databases (ExAC no frequency). This sequence change creates a premature translational stop signal (p.Gly367Argfs*12) in the NF1 gene. It is expected to result in an absent or disrupted protein product.

Literature cited by the submitters: PubMed 10712197; PubMed 23913538.

NM_001042492.3(NF1):c.1097dup (p.Gly367fs)

Gene: NF1 (neurofibromin 1; plus strand). Cytogenetic location: 17q11.2.
Variant type: Duplication.
Coding change: c.1097dup on transcript NM_001042492.3 (MANE Select); coding-DNA position 1097, one base duplicated (G; older notation c.1097dupG).
Protein change: p.Gly367fs; shifts the reading frame from glycine 367.
Molecular consequence: frameshift variant.
Genome position (GRCh38, 1-based): chr17:31,201,071, G duplicated. VCF-style (leftmost placement, unchanged base first): chr17-31201070-A-AG. GRCh37 (hg19) VCF-style: chr17-29528088-A-AG.
Other names: c.1097dup, p.Gly367Argfs (NM_000267.4); c.1097dup, p.Gly367fs (NM_001128147.3); short protein forms G367fs.
Identifiers: ClinVar variation 954600 (VCV000954600.6), dbSNP rs2066519416, ClinGen allele CA1139665317.
Genomic context (GRCh38, chr17:31,201,070, plus strand): 5'-TTTTGTTTTCTGTTGGGGTTTTTATAGAACCTGCTTTTTAATCCAAGTAAGCCATTCTCA[A>AG]GAGGCAGTCAGCCTGCAGATGTGGATCTAATGATTGACTGCCTTGTTTCTTGCTTTCGTA-3'